The following is an entry in ClinVar:

NM_005273.4(GNB2):c.342T>C (p.Cys114=)

Gene: GNB2 (G protein subunit beta 2; plus strand). Cytogenetic location: 7q22.1.
Variant type: single nucleotide variant.
Coding change: c.342T>C on transcript NM_005273.4 (MANE Select); coding-DNA position 342, T replaced by C.
Protein change: p.Cys114=; no amino-acid change (cysteine 114 retained).
Molecular consequence: synonymous variant.
Genome position (GRCh38, 1-based): chr7:100,677,572, T>C. VCF-style: chr7-100677572-T-C. GRCh37 (hg19) VCF-style: chr7-100275195-T-C.
Identifiers: ClinVar variation 4681475 (VCV004681475.5).

ClinVar aggregate classification (germline): Likely benign (1 of 4 stars; one submission).

Submission:

CeGaT Center for Human Genetics Tuebingen
Classification: Likely benign. Last evaluated: 2025-12-01. Review status: criteria provided, single submitter. Criteria: CeGaT Center For Human Genetics Tuebingen Variant Classification Criteria Version 2. Collection method: clinical testing. Allele origin: germline. Affected: yes. Observed: 1 variant allele.
Comment: GNB2: BP4, BP7